The following is an entry in ClinVar:

ClinVar aggregate classification (germline): Likely pathogenic (1 of 4 stars; one submission).

Conditions:
Arrhythmogenic cardiomyopathy with variable ectodermal abnormalities (ARCME). Identifiers: MedGen C5882696, MONDO:0957795, OMIM 620519.

Submission:

Foundation for Research in Genetics and Endocrinology, FRIGE's Institute of Human Genetics
Classification: Likely pathogenic for Arrhythmogenic cardiomyopathy with variable ectodermal abnormalities. Last evaluated: 2025-04-11. Review status: criteria provided, single submitter. Criteria: ACMG Guidelines, 2015. Collection method: clinical testing. Allele origin: germline. Inheritance: Autosomal recessive inheritance. Affected: yes. Observed: 1 homozygote.
Comment: A homozygous single base pair deletion in exon 4 of the PPP1R13L gene (chr19:g.45396969 CG>C; Depth: 191x) that results in the frameshift and premature truncation of the protein, 128 amino acids downstream to codon 96 (p.Pro96ArgfsTer128; ENST00000360957.10) was detected. This variant has not been reported in the 1000 genomes but has a MAF of 0.0001% in the gnomAD database. The in-silico prediction of the variant are possibly disease causing by MutationTaster2. In summary, the variant meets our criteria to be classified as likely pathogenic.

NM_006663.4(PPP1R13L):c.287del (p.Pro96fs)

Gene: PPP1R13L (protein phosphatase 1 regulatory subunit 13 like; minus strand). Cytogenetic location: 19q13.32.
Variant type: Deletion.
Coding change: c.287del on transcript NM_006663.4 (MANE Select); coding-DNA position 287, one base deleted (C; older notation c.287delC).
Protein change: p.Pro96fs; shifts the reading frame from proline 96.
Molecular consequence: frameshift variant.
Genome position (GRCh38, 1-based): chr19:45,396,970, G deleted on the plus strand (C on the coding strand, the reverse complement: PPP1R13L is on the minus strand); the first of 4 consecutive G bases (chr19:45,396,970-45,396,973); deleting any one gives the same sequence. VCF-style (leftmost placement, unchanged base first): chr19-45396969-CG-C. GRCh37 (hg19) VCF-style: chr19-45900227-CG-C.
Other names: p.Pro96ArgfsTer128; c.287del, p.Pro96fs (NM_001142502.2); short protein forms P96fs.
Identifiers: ClinVar variation 3781340 (VCV003781340.1).